The following is an entry in ClinVar:

NM_006231.4(POLE):c.4022A>G (p.Gln1341Arg)

Gene: POLE (DNA polymerase epsilon, catalytic subunit; minus strand). Cytogenetic location: 12q24.33.
Variant type: single nucleotide variant.
Coding change: c.4022A>G on transcript NM_006231.4 (MANE Select); coding-DNA position 4022, A replaced by G.
Protein change: p.Gln1341Arg; replaces glutamine 1341 with arginine.
Molecular consequence: missense variant.
Genome position (GRCh38, 1-based): chr12:132,649,056, T>C on the plus strand (A>G on the coding strand, the complement: POLE is on the minus strand). VCF-style: chr12-132649056-T-C. GRCh37 (hg19) VCF-style: chr12-133225642-T-C.
Other names: c.4022A>G (NM_006231.2); short protein forms Q1341R.
Identifiers: ClinVar variation 2057965 (VCV002057965.5), dbSNP rs2541942506, ClinGen allele CA387383988.
Genomic context (GRCh38, chr12:132,649,056, plus strand): 5'-CTCAGCCTGATGCAGTGCAAGTCACTGCCAACGAGCGCCCACAGCCTGAACAGGCCGGCC[T>C]GGCTGGTCTCGCTGATCTGAAAGGCCACACGGACATACAGCACATCACAGGACACACTGG-3'
Protein context (NP_006222.2, residues 1331-1351): WQIVQISETS[Gln1341Arg]AGLFRLWALV

ClinVar aggregate classification (germline): Uncertain significance. Review status: criteria provided, multiple submitters, no conflicts (2 of 4 stars). 2 submissions from 2 submitters: Uncertain significance (2). Last evaluated 2024-11-15.

Conditions:
Hereditary cancer-predisposing syndrome. Also called: Tumor predisposition; Hereditary Cancer Syndrome; Neoplastic Syndromes, Hereditary; Hereditary neoplastic syndrome. Identifiers: Orphanet 140162, MedGen C0027672, MeSH D009386, MONDO:0015356.

Submissions (2):

Ambry Genetics
Classification: Uncertain significance for Hereditary cancer-predisposing syndrome. Last evaluated: 2024-11-15. Review status: criteria provided, single submitter. Criteria: Ambry Variant Classification Scheme 2023. Collection method: clinical testing. Allele origin: germline.
Comment: The p.Q1341R variant (also known as c.4022A>G), located in coding exon 32 of the POLE gene, results from an A to G substitution at nucleotide position 4022. The glutamine at codon 1341 is replaced by arginine, an amino acid with highly similar properties. This amino acid position is conserved. In addition, this alteration is predicted to be tolerated by in silico analysis. Based on the available evidence, the clinical significance of this variant remains unclear.

Labcorp Genetics (formerly Invitae), Labcorp
Classification: Uncertain significance. Last evaluated: 2021-12-24. Review status: criteria provided, single submitter. Criteria: Invitae Variant Classification Sherloc (09022015). Collection method: clinical testing. Allele origin: germline.
Comment: This sequence change replaces glutamine, which is neutral and polar, with arginine, which is basic and polar, at codon 1341 of the POLE protein (p.Gln1341Arg). This variant is not present in population databases (gnomAD no frequency). This variant has not been reported in the literature in individuals affected with POLE-related conditions. Algorithms developed to predict the effect of missense changes on protein structure and function (SIFT, PolyPhen-2, Align-GVGD) all suggest that this variant is likely to be tolerated. In summary, the available evidence is currently insufficient to determine the role of this variant in disease. Therefore, it has been classified as a Variant of Uncertain Significance.